The following is an entry in ClinVar:

NM_001754.5(RUNX1):c.102C>T (p.Ala34=)

Gene: RUNX1 (RUNX family transcription factor 1; minus strand). Cytogenetic location: 21q22.12.
Variant type: single nucleotide variant.
Coding change: c.102C>T on transcript NM_001754.5 (MANE Select); coding-DNA position 102, C replaced by T.
Protein change: p.Ala34=; no amino-acid change (alanine 34 retained).
Molecular consequence: synonymous variant.
Genome position (GRCh38, 1-based): chr21:34,887,092, G>A on the plus strand (C>T on the coding strand, the complement: RUNX1 is on the minus strand). VCF-style: chr21-34887092-G-A. GRCh37 (hg19) VCF-style: chr21-36259389-G-A.
Other names: c.21C>T, p.Ala7= (NM_001001890.3, NM_001122607.2).
Identifiers: ClinVar variation 3948889 (VCV003948889.1).

ClinVar aggregate classification (germline): Uncertain significance (1 of 4 stars; one submission).

Conditions:
Inborn genetic diseases. Identifiers: MedGen C0950123, MeSH D030342.

Submission:

Ambry Genetics
Classification: Uncertain significance for Inborn genetic diseases. Last evaluated: 2025-05-27. Review status: criteria provided, single submitter. Criteria: Ambry Variant Classification Scheme 2023. Collection method: clinical testing. Allele origin: germline.
Comment: The c.102C>T variant (also known as p.A34A), located in coding exon 3 of the RUNX1 gene, results from a C to T substitution at nucleotide position 102. This nucleotide substitution does not change the amino acid at codon 34. This nucleotide position is well conserved in available vertebrate species. In silico splice site analysis for this alteration is inconclusive. Based on the available evidence, the clinical significance of this variant remains unclear.